The following is an entry in ClinVar:

ClinVar aggregate classification (germline): Pathogenic (1 of 4 stars; one submission).

Submission:

Labcorp Genetics (formerly Invitae), Labcorp
Classification: Pathogenic. Last evaluated: 2025-06-09. Review status: criteria provided, single submitter. Criteria: Invitae Variant Classification Sherloc (09022015). Collection method: clinical testing. Allele origin: germline.
Comment: This sequence change creates a premature translational stop signal (p.Ser57*) in the COQ9 gene. It is expected to result in an absent or disrupted protein product. Loss-of-function variants in COQ9 are known to be pathogenic (PMID: 19375058, 26081641). This variant is not present in population databases (gnomAD no frequency). This variant has not been reported in the literature in individuals affected with COQ9-related conditions. ClinVar contains an entry for this variant (Variation ID: 3656843). For these reasons, this variant has been classified as Pathogenic.

Literature cited by the submitters: PubMed 19375058; PubMed 26081641.

NM_020312.4(COQ9):c.170C>G (p.Ser57Ter)

Gene: COQ9 (coenzyme Q9; plus strand). Cytogenetic location: 16q21.
Variant type: single nucleotide variant.
Coding change: c.170C>G on transcript NM_020312.4 (MANE Select); coding-DNA position 170, C replaced by G.
Protein change: p.Ser57Ter; replaces serine 57 with a stop codon.
Molecular consequence: nonsense.
Genome position (GRCh38, 1-based): chr16:57,451,136, C>G. VCF-style: chr16-57451136-C-G. GRCh37 (hg19) VCF-style: chr16-57485048-C-G.
Other names: short protein forms S57*.
Identifiers: ClinVar variation 3656843 (VCV003656843.2).